The following is an entry in ClinVar:

NM_000038.6(APC):c.1110G>T (p.Leu370Phe)

Gene: APC (APC regulator of Wnt signaling pathway; plus strand). Cytogenetic location: 5q22.2.
Variant type: single nucleotide variant.
Coding change: c.1110G>T on transcript NM_000038.6 (MANE Select); coding-DNA position 1110, G replaced by T.
Protein change: p.Leu370Phe; replaces leucine 370 with phenylalanine.
Molecular consequence: missense variant. On other transcripts: non-coding transcript variant (2), intron variant (15).
Genome position (GRCh38, 1-based): chr5:112,819,142, G>T. VCF-style: chr5-112819142-G-T. GRCh37 (hg19) VCF-style: chr5-112154839-G-T.
Other names: c.1110G>T, p.Leu370Phe (NM_001127510.3, NM_001354895.2, NM_001354896.2 and 4 more transcripts); c.1056G>T, p.Leu352Phe (NM_001127511.3); c.1140G>T, p.Leu380Phe (NM_001354897.2, NM_001407446.1); c.1035G>T, p.Leu345Phe (NM_001354898.2, NM_001407451.1); c.1026G>T, p.Leu342Phe (NM_001354899.2, NM_001407452.1); c.933G>T, p.Leu311Phe (NM_001354900.2, NM_001354901.2, NM_001407453.1); c.261G>T, p.Leu87Phe (NM_001354906.2, NM_001407470.1); c.85-127G>T (NM_001407472.1, NM_001407471.1); and 5 more; short protein forms L311F, L342F, L345F, L352F, L370F, L380F, L87F.
Identifiers: ClinVar variation 3231270 (VCV003231270.1), dbSNP rs1439967202, ClinGen allele CA16023745.

ClinVar aggregate classification (germline): Uncertain significance (1 of 4 stars; one submission).

Conditions:
Hereditary cancer-predisposing syndrome. Also called: Neoplastic Syndromes, Hereditary; Tumor predisposition; Hereditary neoplastic syndrome; Hereditary Cancer Syndrome. Identifiers: Orphanet 140162, MedGen C0027672, MeSH D009386, MONDO:0015356.

Submission:

Ambry Genetics
Classification: Uncertain significance for Hereditary cancer-predisposing syndrome. Last evaluated: 2023-12-05. Review status: criteria provided, single submitter. Criteria: Ambry Variant Classification Scheme 2023. Collection method: clinical testing. Allele origin: germline.
Comment: The p.L370F variant (also known as c.1110G>T), located in coding exon 9 of the APC gene, results from a G to T substitution at nucleotide position 1110. The leucine at codon 370 is replaced by phenylalanine, an amino acid with highly similar properties. This amino acid position is conserved. In addition, in silico predictors for this gene do not accurately predict pathogenicity. Since supporting evidence is limited at this time, the clinical significance of this alteration remains unclear.